The following is an entry in ClinVar:

ClinVar aggregate classification (germline): Uncertain significance (1 of 4 stars; one submission).

Submission:

Labcorp Genetics (formerly Invitae), Labcorp
Classification: Uncertain significance. Last evaluated: 2025-11-22. Review status: criteria provided, single submitter. Criteria: Invitae Variant Classification Sherloc (09022015). Collection method: clinical testing. Allele origin: germline.
Comment: This sequence change replaces isoleucine, which is neutral and non-polar, with methionine, which is neutral and non-polar, at codon 1118 of the ABL1 protein (p.Ile1118Met). This variant is not present in population databases (gnomAD no frequency). This variant has not been reported in the literature in individuals affected with ABL1-related conditions. Invitae Evidence Modeling of protein sequence and biophysical properties (such as structural, functional, and spatial information, amino acid conservation, physicochemical variation, residue mobility, and thermodynamic stability) indicates that this missense variant is not expected to disrupt ABL1 protein function with a negative predictive value of 95%. In summary, the available evidence is currently insufficient to determine the role of this variant in disease. Therefore, it has been classified as a Variant of Uncertain Significance.

NM_005157.6(ABL1):c.3297C>G (p.Ile1099Met)

Gene: ABL1 (ABL proto-oncogene 1, non-receptor tyrosine kinase; plus strand). Cytogenetic location: 9q34.12.
Variant type: single nucleotide variant.
Coding change: c.3297C>G on transcript NM_005157.6 (MANE Select); coding-DNA position 3297, C replaced by G.
Protein change: p.Ile1099Met; replaces isoleucine 1099 with methionine.
Molecular consequence: missense variant.
Genome position (GRCh38, 1-based): chr9:130,885,587, C>G. VCF-style: chr9-130885587-C-G. GRCh37 (hg19) VCF-style: chr9-133760974-C-G.
Other names: c.3354C>G, p.Ile1118Met (NM_007313.3); short protein forms I1099M, I1118M.
Identifiers: ClinVar variation 4801869 (VCV004801869.1).